The following is an entry in ClinVar:

ClinVar aggregate classification (germline): Pathogenic/Likely pathogenic. Review status: criteria provided, multiple submitters, no conflicts (2 of 4 stars). 8 submissions from 8 submitters: Pathogenic (1); Likely pathogenic (6). 1 of the submissions does not count toward it. Last evaluated 2026-01-17.

Conditions:
Adult hypophosphatasia. Identifiers: Orphanet 247676, Orphanet 436, MedGen C0268413, MONDO:1010154, OMIM 146300, MONDO:0007798.
ALPL-related disorder. Also called: ALPL-related condition; ALPL-related disorders.
Inborn genetic diseases. Identifiers: MedGen C0950123, MeSH D030342.
Childhood hypophosphatasia. Identifiers: Orphanet 247667, Orphanet 436, MedGen C0220743, MONDO:1010168, OMIM 241510, MONDO:0009428.
Infantile hypophosphatasia. Identifiers: Orphanet 247651, Orphanet 436, MedGen C0268412, MONDO:1010169, OMIM 241500, MONDO:0009427.
Hypophosphatasia. Also called: Phosphoethanol-aminuria. Identifiers: Orphanet 436, MedGen C0020630, MeSH D007014, MONDO:0018570.

Allele frequency attached by ClinVar (database versions not stated): gnomAD exomes below 0.00001; TOPMed below 0.00001.
gnomAD v4.1: 6 of 1,614,204 alleles (0.00037%); highest among the groups gnomAD compares: Non-Finnish European, 0.00051%; no homozygotes.

Submissions (8):

Labcorp Genetics (formerly Invitae), Labcorp
Classification: Pathogenic. Last evaluated: 2026-01-17. Review status: criteria provided, single submitter. Criteria: Invitae Variant Classification Sherloc (09022015). Collection method: clinical testing. Allele origin: germline.
Comment: This sequence change replaces glycine, which is neutral and non-polar, with arginine, which is basic and polar, at codon 326 of the ALPL protein (p.Gly326Arg). This variant is not present in population databases (gnomAD no frequency). This missense change has been observed in individual(s) with autosomal dominant and autosomal recessive hypophosphatasia (PMID: 11999978). In at least one individual the data is consistent with being in trans (on the opposite chromosome) from a pathogenic variant. It has also been observed to segregate with disease in related individuals. This variant is also known as p.Gly309Arg. ClinVar contains an entry for this variant (Variation ID: 1074126). Invitae Evidence Modeling of protein sequence and biophysical properties (such as structural, functional, and spatial information, amino acid conservation, physicochemical variation, residue mobility, and thermodynamic stability) indicates that this missense variant is expected to disrupt ALPL protein function with a positive predictive value of 95%. This variant disrupts the p.Gly326 amino acid residue in ALPL. Other variant(s) that disrupt this residue have been observed in individuals with ALPL-related conditions (PMID: 29620724), which suggests that this may be a clinically significant amino acid residue. For these reasons, this variant has been classified as Pathogenic.

Natera, Inc.
Classification: Likely pathogenic for Hypophosphatasia. Last evaluated: 2025-10-06. Review status: criteria provided, single submitter. Criteria: Natera Variant Classification Schema (03/2026). Collection method: clinical testing. Allele origin: germline.
Comment: The c.976G>C variant in ALPL is a missense variant predicted to cause substitution of glycine to arginine at amino acid 326. This variant is rare in the general population with a frequency below the threshold expected for the associated phenotype(s). This variant has been observed in one or more individuals affected with the associated recessive disease, as either homozygous or compound heterozygous with a second variant (PMID: 11999978). This variant has been observed in affected individual(s) with monoallelic occurrence (heterozygous/hemizygous) (PMID: 33579333, 33191482, 37147467). Computational prediction algorithms indicate this variant is likely to affect gene or protein function. Given the available evidence, this variant is classified as Likely Pathogenic.

Genomenon, Inc
Classification: Likely pathogenic for Hypophosphatasia. Last evaluated: 2025-08-29. Review status: criteria provided, single submitter. Criteria: Genomenon Sequence Variant Interpretation Standards. Collection method: curation. Allele origin: germline. Affected: yes.
Comment: ALPL c.976G>C is a missense variant that changes the amino acid at residue 326 from Glycine to Arginine. This variant has been observed in at least one proband affected with hypophosphatasia (PMID:33191482;33579333;11999978). This variant has been described as Gly309Arg in the literature. It is absent or not present at a significant frequency in gnomAD. In silico models agree that this variant is possibly or probably damaging. In conclusion, we classify ALPL p.Gly326Arg (c.976G>C) as a likely pathogenic variant.

Fulgent Genetics
Classification: Likely pathogenic for Adult hypophosphatasia; Infantile hypophosphatasia; Childhood hypophosphatasia. Last evaluated: 2024-04-23. Review status: criteria provided, single submitter. Criteria: ACMG Guidelines, 2015. Collection method: clinical testing. Allele origin: germline.

Baylor Genetics
Classification: Likely pathogenic for Adult hypophosphatasia. Last evaluated: 2023-10-17. Review status: criteria provided, single submitter. Criteria: ACMG Guidelines, 2015. Collection method: clinical testing. Allele origin: unknown.

CeGaT Center for Human Genetics Tuebingen
Classification: Likely pathogenic. Last evaluated: 2023-07-01. Review status: criteria provided, single submitter. Criteria: CeGaT Center For Human Genetics Tuebingen Variant Classification Criteria Version 2. Collection method: clinical testing. Allele origin: germline. Affected: yes. Observed: 1 variant allele.
Comment: ALPL: PM1, PM2, PM3, PM5:Supporting

Ambry Genetics
Classification: Likely pathogenic for Inborn genetic diseases. Last evaluated: 2021-07-23. Review status: criteria provided, single submitter. Criteria: Ambry Variant Classification Scheme 2023. Collection method: clinical testing. Allele origin: germline.
Comment: The c.976G>C (p.G326R) alteration is located in exon 9 (coding exon 8) of the ALPL gene. This alteration results from a G to C substitution at nucleotide position 976, causing the glycine (G) at amino acid position 326 to be replaced by an arginine (R). Based on the available evidence, this ALPL c.976G>A (p.V377I) alteration is classified as likely pathogenic for autosomal recessive hypophosphatasia (AR); however, its clinical significance for autosomal dominant hypophosphatasia (AD) is unclear. Based on data from the Genome Aggregation Database (gnomAD), the ALPL c.976G>C alteration was not observed, with coverage at this position. Parental testing showed that this alteration was inherited from the patient's father with low serum alkaline phosphatase levels (Litmanovitz, 2002). Based on internal structural analysis, G326R decreases the structure stability. The p.G326R alteration is predicted to be deleterious by in silico analysis. Based on the available evidence, this alteration is classified as likely pathogenic.

PreventionGenetics, part of Exact Sciences
Classification: Likely pathogenic for ALPL-related condition. Last evaluated: 2024-01-11. Review status: no assertion criteria provided. Collection method: clinical testing. Allele origin: germline. Not counted in ClinVar's aggregate classification.
Comment: The ALPL c.976G>C variant is predicted to result in the amino acid substitution p.Gly326Arg. This variant was also reported in an individual with hypophosphatasia (Pierpont et al. 2021. PubMed ID: 33579333). In addition, a different variant affecting the same amino acid (p.Gly326Val) was reported in a family with hypophosphatasia and craniosynostosis (Alghamdi et al. 2021. PubMed ID: 33937142). This variant has not been reported in a large population database, indicating this variant is rare. This variant is interpreted as likely pathogenic.

Literature cited by the submitters: PubMed 11999978 (cited by 4 submitters); PubMed 29620724 (cited by Labcorp Genetics (formerly Invitae), Labcorp); PubMed 33579333 (cited by Natera, Inc. and Genomenon, Inc); PubMed 33191482 (cited by Natera, Inc. and Genomenon, Inc); PubMed 37147467 (cited by Natera, Inc.).

NM_000478.6(ALPL):c.976G>C (p.Gly326Arg)

Gene: ALPL (alkaline phosphatase, biomineralization associated; plus strand). Cytogenetic location: 1p36.12.
Variant type: single nucleotide variant.
Coding change: c.976G>C on transcript NM_000478.6 (MANE Select); coding-DNA position 976, G replaced by C.
Protein change: p.Gly326Arg; replaces glycine 326 with arginine.
Molecular consequence: missense variant.
Genome position (GRCh38, 1-based): chr1:21,573,778, G>C. VCF-style: chr1-21573778-G-C. GRCh37 (hg19) VCF-style: chr1-21900271-G-C.
Other names: c.976G>C (NM_000478.4, NM_000478.5); c.811G>C, p.Gly271Arg (NM_001127501.4); c.745G>C, p.Gly249Arg (NM_001177520.3); c.976G>C, p.Gly326Arg (NM_001369803.2, NM_001369804.2, NM_001369805.2); short protein forms G249R, G271R, G326R.
Identifiers: ClinVar variation 1074126 (VCV001074126.38), dbSNP rs1644687066, ClinGen allele CA338880403.